The following is an entry in ClinVar:

NM_000083.3(CLCN1):c.2845G>A (p.Gly949Ser)

Gene: CLCN1 (chloride voltage-gated channel 1; plus strand). Cytogenetic location: 7q34.
Variant type: single nucleotide variant.
Coding change: c.2845G>A on transcript NM_000083.3 (MANE Select); coding-DNA position 2845, G replaced by A.
Protein change: p.Gly949Ser; replaces glycine 949 with serine.
Molecular consequence: missense variant. On other transcripts: non-coding transcript variant (1).
Genome position (GRCh38, 1-based): chr7:143,351,843, G>A. VCF-style: chr7-143351843-G-A. GRCh37 (hg19) VCF-style: chr7-143048936-G-A.
Other names: short protein forms G949S.
Identifiers: ClinVar variation 3371555 (VCV003371555.1).
Genomic context (GRCh38, chr7:143,351,843, plus strand): 5'-ACCCCTGTGCCATCTCCTTCCCCAGAGCCCCCTCTCTCCCTGGCCCCAGGCAAGGTAGAG[G>A]GCGAGTTGGAGGAGCTGGAGCTGGTGGAGAGTCCAGGGCTGGAAGAGGAGCTGGCCGACA-3'
Protein context (NP_000074.3, residues 939-959): PLSLAPGKVE[Gly949Ser]ELEELELVES

ClinVar aggregate classification (germline): Uncertain significance (1 of 4 stars; one submission).

gnomAD v4.1: 1 of 1,613,818 alleles (0.000062%); highest among the groups gnomAD compares: African/African-American, 0.0013%; no homozygotes.

Submission:

GeneDx
Classification: Uncertain significance. Last evaluated: 2024-03-27. Review status: criteria provided, single submitter. Criteria: GeneDx Variant Classification Process June 2021. Collection method: clinical testing. Allele origin: germline. Affected: yes.
Comment: Not observed at significant frequency in large population cohorts (gnomAD); In silico analysis supports that this missense variant does not alter protein structure/function; Has not been previously published as pathogenic or benign to our knowledge